The following is an entry in ClinVar:

NM_018668.5(VPS33B):c.-271A>C

Gene: VPS33B (VPS33B late endosome and lysosome associated; minus strand). Cytogenetic location: 15q26.1.
Variant type: single nucleotide variant.
Coding change: c.-271A>C on transcript NM_018668.5 (MANE Select); 271 bases upstream of the start codon, A replaced by C.
Molecular consequence: 5 prime UTR variant.
Genome position (GRCh38, 1-based): chr15:91,022,520, T>G on the plus strand (A>C on the coding strand, the complement: VPS33B is on the minus strand). VCF-style: chr15-91022520-T-G. GRCh37 (hg19) VCF-style: chr15-91565750-T-G.
Other names: c.-271A>C (NM_001289148.1); c.-482A>C (NM_001289149.1).
Identifiers: ClinVar variation 317434 (VCV000317434.5), dbSNP rs116461458, ClinGen allele CA10642713.

ClinVar aggregate classification (germline): Benign (1 of 4 stars; one submission).

Conditions:
Arthrogryposis, renal dysfunction, and cholestasis 1 (ARCS1). Identifiers: Orphanet 2697, MedGen C1859722, MONDO:0008822, OMIM 208085.

Allele frequency attached by ClinVar (database versions not stated): gnomAD exomes 0.00058; gnomAD 0.00387 and 0.00418; 1000 Genomes Project 30x 0.00422; TOPMed 0.00448; 1000 Genomes Project 0.00459.
gnomAD v4.1: 701 of 346,412 alleles (0.2%); highest among the groups gnomAD compares: African/African-American, 1.3%; 2 homozygotes.

Submission:

Illumina Laboratory Services, Illumina
Classification: Benign for Arthrogryposis, renal dysfunction, and cholestasis 1. Last evaluated: 2018-01-13. Review status: criteria provided, single submitter. Criteria: ICSL Variant Classification Criteria 13 December 2019. Collection method: clinical testing. Allele origin: germline.
Comment: This variant was observed in the ICSL laboratory as part of a predisposition screen in an ostensibly healthy population. It had not been previously curated by ICSL or reported in the Human Gene Mutation Database (HGMD: prior to June 1st, 2018), and was therefore a candidate for classification through an automated scoring system. Utilizing variant allele frequency, disease prevalence and penetrance estimates, and inheritance mode, an automated score was calculated to assess if this variant is too frequent to cause the disease. Based on the score and internal cut-off values, a variant classified as benign is not then subjected to further curation. The score for this variant resulted in a classification of benign for this disease.